The following is an entry in ClinVar:

ClinVar aggregate classification (germline): Uncertain significance. Review status: criteria provided, multiple submitters, no conflicts (2 of 4 stars). 3 submissions from 3 submitters: Uncertain significance (3). Last evaluated 2022-12-15.

Conditions:
Hereditary diffuse gastric adenocarcinoma (HDGC). Also called: DIFFUSE GASTRIC AND LOBULAR BREAST CANCER SYNDROME. Identifiers: Orphanet 26106, MedGen C1708349, MONDO:0007648, OMIM 137215.
Hereditary cancer-predisposing syndrome. Also called: Tumor predisposition; Neoplastic Syndromes, Hereditary; Hereditary Cancer Syndrome; Hereditary neoplastic syndrome. Identifiers: Orphanet 140162, MedGen C0027672, MeSH D009386, MONDO:0015356.

Submissions (3):

Labcorp Genetics (formerly Invitae), Labcorp
Classification: Uncertain significance for Hereditary diffuse gastric adenocarcinoma. Last evaluated: 2022-12-15. Review status: criteria provided, single submitter. Criteria: Invitae Variant Classification Sherloc (09022015). Collection method: clinical testing. Allele origin: germline.
Comment: This sequence change replaces serine, which is neutral and polar, with phenylalanine, which is neutral and non-polar, at codon 469 of the CDH1 protein (p.Ser469Phe). This variant is not present in population databases (gnomAD no frequency). This missense change has been observed in individual(s) with ovarian and endometrial cancer (PMID: 30306255). ClinVar contains an entry for this variant (Variation ID: 1771905). Algorithms developed to predict the effect of missense changes on protein structure and function are either unavailable or do not agree on the potential impact of this missense change (SIFT: "Deleterious"; PolyPhen-2: "Probably Damaging"; Align-GVGD: "Class C15"). In summary, the available evidence is currently insufficient to determine the role of this variant in disease. Therefore, it has been classified as a Variant of Uncertain Significance.

European Reference Network on Genetic Tumour Risk Syndromes (ERN-GENTURIS), i3s - Instituto de Investigação e Inovação em Saúde, University of Porto
Classification: Uncertain significance for Hereditary diffuse gastric adenocarcinoma. Last evaluated: 2022-08-01. Review status: criteria provided, single submitter. Criteria: Lee et al. (Hum Mutat. 2018). Collection method: clinical testing. Allele origin: germline. Inheritance: Autosomal dominant inheritance. Affected: no. Study: ERN GENTURIS.
Comment: PM2 (PMID: 30311375)

Ambry Genetics
Classification: Uncertain significance for Hereditary cancer-predisposing syndrome. Last evaluated: 2015-12-10. Review status: criteria provided, single submitter. Criteria: Ambry Variant Classification Scheme 2023. Collection method: clinical testing. Allele origin: germline.
Comment: The p.S469F variant (also known as c.1406C>T), located in coding exon 10 of the CDH1 gene, results from a C to T substitution at nucleotide position 1406. The serine at codon 469 is replaced by phenylalanine, an amino acid with highly dissimilar properties. This variant was not reported in population based cohorts in the following databases: Database of Single Nucleotide Polymorphisms (dbSNP), NHLBI Exome Sequencing Project (ESP), and 1000 Genomes Project. In the ESP, this variant was not observed in 6498 samples (12996 alleles) with coverage at this position. To date, this alteration has been detected with an allele frequency of approximately 0.001% (greater than 175000 alleles tested) in our clinical cohort. This amino acid position is well conserved in available vertebrate species. In addition, this alteration is predicted to be probably damaging and deleterious by PolyPhen and SIFT in silico analyses, respectively. Since supporting evidence is limited at this time, the clinical significance of p.S469F remains unclear.

Literature cited by the submitters: PubMed 30306255 (cited by Labcorp Genetics (formerly Invitae), Labcorp); PubMed 36436516 (cited by European Reference Network on Genetic Tumour Risk Syndromes (ERN-GENTURIS), i3s - Instituto de Investigação e Inovação em Saúde, University of Porto).

NM_004360.5(CDH1):c.1406C>T (p.Ser469Phe)

Gene: CDH1 (cadherin 1; plus strand). Cytogenetic location: 16q22.1.
Variant type: single nucleotide variant.
Coding change: c.1406C>T on transcript NM_004360.5 (MANE Select); coding-DNA position 1406, C replaced by T.
Protein change: p.Ser469Phe; replaces serine 469 with phenylalanine.
Molecular consequence: missense variant. On other transcripts: 5 prime UTR variant (2).
Genome position (GRCh38, 1-based): chr16:68,815,600, C>T. VCF-style: chr16-68815600-C-T. GRCh37 (hg19) VCF-style: chr16-68849503-C-T.
Other names: c.1223C>T, p.Ser408Phe (NM_001317184.2); c.-143C>T (NM_001317185.2); c.-414C>T (NM_001317186.2); c.1406C>T (NM_004360.4); short protein forms S469F, S408F.
Identifiers: ClinVar variation 1771905 (VCV001771905.8), dbSNP rs2152134847, ClinGen allele CA396462927.